The following is an entry in ClinVar:

ClinVar aggregate classification (germline): Benign (1 of 4 stars; one submission).

Allele frequency attached by ClinVar (database versions not stated): gnomAD 0.80331 and 0.80554; TOPMed 0.80335; 1000 Genomes Project 0.81789; 1000 Genomes Project 30x 0.82136.
gnomAD v4.1: 692,685 of 900,194 alleles (77%); highest among the groups gnomAD compares: African/African-American, 90%; 268,705 homozygotes.

Submission:

GeneDx
Classification: Benign. Last evaluated: 2018-06-19. Review status: criteria provided, single submitter. Criteria: GeneDx Variant Classification (06012015). Collection method: clinical testing. Allele origin: germline. Affected: yes.
Comment: This variant is considered likely benign or benign based on one or more of the following criteria: it is a conservative change, it occurs at a poorly conserved position in the protein, it is predicted to be benign by multiple in silico algorithms, and/or has population frequency not consistent with disease.

NM_000081.4(LYST):c.4863-115T>C

Gene: LYST (lysosomal trafficking regulator; minus strand). Cytogenetic location: 1q42.3.
Variant type: single nucleotide variant.
Coding change: c.4863-115T>C on transcript NM_000081.4 (MANE Select); 115 bases into the intron before coding-DNA position 4863, T replaced by C.
Molecular consequence: intron variant.
Genome position (GRCh38, 1-based): chr1:235,782,202, A>G on the plus strand (T>C on the coding strand, the complement: LYST is on the minus strand). VCF-style: chr1-235782202-A-G. GRCh37 (hg19) VCF-style: chr1-235945502-A-G.
Other names: c.4863-115T>C (NM_001301365.1).
Identifiers: ClinVar variation 684345 (VCV000684345.1), dbSNP rs2011390, ClinGen allele CA10706859.